The following is an entry in ClinVar:

ClinVar aggregate classification (germline): Uncertain significance (1 of 4 stars; one submission).

Conditions:
Autosomal recessive nonsyndromic hearing loss 22. Identifiers: Orphanet 90636, MedGen C1846896, MONDO:0011762, OMIM 607039.

gnomAD v4.1: 14 of 404,862 alleles (0.0035%); highest among the groups gnomAD compares: Admixed American, 0.016%; no homozygotes.

Submission:

Victorian Clinical Genetics Services, Murdoch Childrens Research Institute
Classification: Uncertain significance for Autosomal recessive nonsyndromic hearing loss 22. Last evaluated: 2024-12-24. Review status: criteria provided, single submitter. Criteria: ACMG Guidelines, 2015. Collection method: clinical testing. Allele origin: germline. Affected: yes.
Comment: This variant is classified as VUS-3A. Evidence in support of pathogenic classification: Variant is present in gnomAD <0.01 for a recessive condition (v4: 14 heterozygote(s), 0 homozygote(s)) . Additional information: Variant is predicted to result in a missense amino acid change from glycine to glutamic acid; This variant is apparently heterozygous, however, additional testing is required to confirm the variant; This gene is associated with autosomal recessive disease; Previous evidence of pathogenicity for this variant is inconclusive. This variant has been classified as a VUS in an individual with hearing impairment (DECIPHER). - No published segregation evidence has been identified for this variant; No published functional evidence has been identified for this variant; No comparable missense variants have previous evidence for pathogenicity; Variant is not located in an established domain, motif, hotspot or informative constraint region; Missense variant with inconclusive in silico prediction and uninformative conservation; Loss of function is a known mechanism of disease in this gene and is associated with deafness, autosomal recessive 22, (MIM#607039); Inheritance information for this variant is not currently available in this individual.

NM_144672.4(OTOA):c.3002G>A (p.Gly1001Glu)

Gene: OTOA (otoancorin). Cytogenetic location: 16p12.2.
Variant type: single nucleotide variant.
Coding change: c.3002G>A on transcript NM_144672.4 (MANE Select); coding-DNA position 3002, G replaced by A.
Protein change: p.Gly1001Glu; replaces glycine 1001 with glutamic acid.
Molecular consequence: missense variant.
Genome position (GRCh38, 1-based): chr16:21,752,452, G>A. VCF-style: chr16-21752452-G-A. GRCh37 (hg19) VCF-style: chr16-21763773-G-A.
Other names: c.2765G>A, p.Gly922Glu (NM_001161683.2); c.2030G>A, p.Gly677Glu (NM_170664.3); short protein forms G1001E, G677E, G922E.
Identifiers: ClinVar variation 4531595 (VCV004531595.1).